The following is an entry in ClinVar:

NM_030665.4(RAI1):c.2977C>T (p.Pro993Ser)

Gene: RAI1 (retinoic acid induced 1; plus strand). Cytogenetic location: 17p11.2.
Variant type: single nucleotide variant.
Coding change: c.2977C>T on transcript NM_030665.4 (MANE Select); coding-DNA position 2977, C replaced by T.
Protein change: p.Pro993Ser; replaces proline 993 with serine.
Molecular consequence: missense variant.
Genome position (GRCh38, 1-based): chr17:17,795,925, C>T. VCF-style: chr17-17795925-C-T. GRCh37 (hg19) VCF-style: chr17-17699239-C-T.
Other names: short protein forms P993S.
Identifiers: ClinVar variation 1719342 (VCV001719342.5), dbSNP rs2508584503, ClinGen allele CA398552593.

ClinVar aggregate classification (germline): Uncertain significance (1 of 4 stars; one submission).

Submission:

Labcorp Genetics (formerly Invitae), Labcorp
Classification: Uncertain significance. Last evaluated: 2022-09-13. Review status: criteria provided, single submitter. Criteria: Invitae Variant Classification Sherloc (09022015). Collection method: clinical testing. Allele origin: germline.
Comment: Advanced modeling of protein sequence and biophysical properties (such as structural, functional, and spatial information, amino acid conservation, physicochemical variation, residue mobility, and thermodynamic stability) performed at Invitae indicates that this missense variant is not expected to disrupt RAI1 protein function. In summary, the available evidence is currently insufficient to determine the role of this variant in disease. Therefore, it has been classified as a Variant of Uncertain Significance. This variant has not been reported in the literature in individuals affected with RAI1-related conditions. This variant is not present in population databases (gnomAD no frequency). This sequence change replaces proline, which is neutral and non-polar, with serine, which is neutral and polar, at codon 993 of the RAI1 protein (p.Pro993Ser).